The following is an entry in ClinVar:

ClinVar aggregate classification (germline): Uncertain significance (1 of 4 stars; one submission).

Conditions:
Familial adenomatous polyposis 1 (FAP1). Also called: FAMILIAL ADENOMATOUS POLYPOSIS 1, ATTENUATED; POLYPOSIS, ADENOMATOUS INTESTINAL. Identifiers: MedGen C2713442, MONDO:0021056, OMIM 175100. Disease mechanism: loss of function.

Submission:

Labcorp Genetics (formerly Invitae), Labcorp
Classification: Uncertain significance for Familial adenomatous polyposis 1. Last evaluated: 2025-02-03. Review status: criteria provided, single submitter. Criteria: Invitae Variant Classification Sherloc (09022015). Collection method: clinical testing. Allele origin: germline.
Comment: This variant, c.3820_3975dup, results in the insertion of 52 amino acid(s) of the APC protein (p.Cys1274_Ala1325dup), but otherwise preserves the integrity of the reading frame. This variant is not present in population databases (gnomAD no frequency). This variant has not been reported in the literature in individuals affected with APC-related conditions. Experimental studies and prediction algorithms are not available or were not evaluated, and the functional significance of this variant is currently unknown. In summary, the available evidence is currently insufficient to determine the role of this variant in disease. Therefore, it has been classified as a Variant of Uncertain Significance.

NM_000038.6(APC):c.3820_3975dup (p.Ala1325_Val1326insCysSerSerLeuSerSerLeuSerSerAlaGluAspGluIleGlyCysAsnGlnThrThrGlnGluAlaAspSerAlaAsnThrLeuGlnIleAlaGluIleLysGluLysIleGlyThrArgSerAlaGluAspProValSerGluValProAla)

Gene: APC (APC regulator of Wnt signaling pathway; plus strand). Cytogenetic location: 5q22.2.
Variant type: Duplication.
Coding change: c.3820_3975dup on transcript NM_000038.6 (MANE Select); coding-DNA positions 3820 to 3975, 156 bases duplicated.
Protein change: p.Ala1325_Val1326insCysSerSerLeuSerSerLeuSerSerAlaGluAspGluIleGlyCysAsnGlnThrThrGlnGluAlaAspSerAlaAsnThrLeuGlnIleAlaGluIleLysGluLysIleGlyThrArgSerAlaGluAspProValSerGluValProAla.
Molecular consequence: inframe insertion. On other transcripts: non-coding transcript variant (2).
Genome position (GRCh38, 1-based): chr5:112,839,414-112,839,569, 156 bases duplicated. GRCh37 (hg19): chr5:112,175,111-112,175,266.
Other names: c.3820_3975dup, p.Ala1325_Val1326insCysSerSerLeuSerSerLeuSerSerAlaGluAspGluIleGlyCysAsnGlnThrThrGlnGluAlaAspSerAlaAsnThrLeuGlnIleAlaGluIleLysGluLysIleGlyThrArgSerAlaGluAspProValSerGluValProAla (NM_001127510.3, NM_001354895.2, NM_001407450.1); c.3766_3921dup, p.Ala1307_Val1308insCysSerSerLeuSerSerLeuSerSerAlaGluAspGluIleGlyCysAsnGlnThrThrGlnGluAlaAspSerAlaAsnThrLeuGlnIleAlaGluIleLysGluLysIleGlyThrArgSerAlaGluAspProValSerGluValProAla (NM_001127511.3); c.3874_4029dup, p.Ala1343_Val1344insCysSerSerLeuSerSerLeuSerSerAlaGluAspGluIleGlyCysAsnGlnThrThrGlnGluAlaAspSerAlaAsnThrLeuGlnIleAlaGluIleLysGluLysIleGlyThrArgSerAlaGluAspProValSerGluValProAla (NM_001354896.2, NM_001407447.1, NM_001407448.1 and 1 more transcripts); c.3850_4005dup, p.Ala1335_Val1336insCysSerSerLeuSerSerLeuSerSerAlaGluAspGluIleGlyCysAsnGlnThrThrGlnGluAlaAspSerAlaAsnThrLeuGlnIleAlaGluIleLysGluLysIleGlyThrArgSerAlaGluAspProValSerGluValProAla (NM_001354897.2); c.3745_3900dup, p.Ala1300_Val1301insCysSerSerLeuSerSerLeuSerSerAlaGluAspGluIleGlyCysAsnGlnThrThrGlnGluAlaAspSerAlaAsnThrLeuGlnIleAlaGluIleLysGluLysIleGlyThrArgSerAlaGluAspProValSerGluValProAla (NM_001354898.2); c.3736_3891dup, p.Ala1297_Val1298insCysSerSerLeuSerSerLeuSerSerAlaGluAspGluIleGlyCysAsnGlnThrThrGlnGluAlaAspSerAlaAsnThrLeuGlnIleAlaGluIleLysGluLysIleGlyThrArgSerAlaGluAspProValSerGluValProAla (NM_001354899.2); c.3697_3852dup, p.Ala1284_Val1285insCysSerSerLeuSerSerLeuSerSerAlaGluAspGluIleGlyCysAsnGlnThrThrGlnGluAlaAspSerAlaAsnThrLeuGlnIleAlaGluIleLysGluLysIleGlyThrArgSerAlaGluAspProValSerGluValProAla (NM_001354900.2); c.3643_3798dup, p.Ala1266_Val1267insCysSerSerLeuSerSerLeuSerSerAlaGluAspGluIleGlyCysAsnGlnThrThrGlnGluAlaAspSerAlaAsnThrLeuGlnIleAlaGluIleLysGluLysIleGlyThrArgSerAlaGluAspProValSerGluValProAla (NM_001354901.2, NM_001407453.1); and 11 more.
Identifiers: ClinVar variation 4712255 (VCV004712255.1).